The following is an entry in ClinVar:

ClinVar aggregate classification (germline): Uncertain significance (1 of 4 stars; one submission).

Conditions:
Immunodeficiency 104. Also called: SCID, AUTOSOMAL RECESSIVE, T CELL-NEGATIVE, B CELL-POSITIVE, NK CELL-POSITIVE; Severe Combined Immune Deficiency, Autosomal Recessive, TCell -Negative, B Cell-Positive, NK Cell-Positive, IL7R-Related; IMMUNODEFICIENCY 104, SEVERE COMBINED; Severe combined immunodeficiency, autosomal recessive, T cell-negative, B cell-positive, NK cell-positive. Identifiers: MedGen C5676890, MONDO:0012163, OMIM 608971.

Allele frequency attached by ClinVar (database versions not stated): ExAC 0.00002; gnomAD 0.00002; gnomAD exomes 0.00002; TOPMed 0.00002.
gnomAD v4.1: 21 of 1,613,168 alleles (0.0013%); highest among the groups gnomAD compares: South Asian, 0.013%; 1 homozygote.

Submission:

Labcorp Genetics (formerly Invitae), Labcorp
Classification: Uncertain significance for Immunodeficiency 104. Last evaluated: 2024-09-16. Review status: criteria provided, single submitter. Criteria: Invitae Variant Classification Sherloc (09022015). Collection method: clinical testing. Allele origin: germline.
Comment: This sequence change replaces arginine, which is basic and polar, with histidine, which is basic and polar, at codon 511 of the PTPRC protein (p.Arg511His). This variant is present in population databases (rs770812820, gnomAD 0.02%). This variant has not been reported in the literature in individuals affected with PTPRC-related conditions. ClinVar contains an entry for this variant (Variation ID: 1451090). An algorithm developed to predict the effect of missense changes on protein structure and function (PolyPhen-2) suggests that this variant¬†is likely to be tolerated. In summary, the available evidence is currently insufficient to determine the role of this variant in disease. Therefore, it has been classified as a Variant of Uncertain Significance.

NM_002838.5(PTPRC):c.1532G>A (p.Arg511His)

Gene: PTPRC (protein tyrosine phosphatase receptor type C; plus strand). Cytogenetic location: 1q32.1.
Variant type: single nucleotide variant.
Coding change: c.1532G>A on transcript NM_002838.5 (MANE Select); coding-DNA position 1532, G replaced by A.
Protein change: p.Arg511His; replaces arginine 511 with histidine.
Molecular consequence: missense variant.
Genome position (GRCh38, 1-based): chr1:198,718,175, G>A. VCF-style: chr1-198718175-G-A. GRCh37 (hg19) VCF-style: chr1-198687304-G-A.
Other names: c.1049G>A, p.Arg350His (NM_080921.4); short protein forms R511H, R350H.
Identifiers: ClinVar variation 1451090 (VCV001451090.6), dbSNP rs770812820, ClinGen allele CA1314822.